The following is an entry in ClinVar:

ClinVar aggregate classification (germline): Pathogenic (1 of 4 stars; one submission).

Conditions:
Kleefstra syndrome 2 (KLEFS2). Identifiers: MedGen C4540395, MONDO:0054701, OMIM 617768.

Submission:

Women's Health and Genetics/Laboratory Corporation of America, LabCorp
Classification: Pathogenic for Kleefstra syndrome 2. Last evaluated: 2025-04-03. Review status: criteria provided, single submitter. Criteria: LabCorp Variant Classification Summary - May 2015. Collection method: clinical testing. Allele origin: germline.
Comment: Variant summary: KMT2C c.8420_8421delCT (p.Ser2807X) results in a premature termination codon, predicted to cause a truncation of the encoded protein or absence of the protein due to nonsense mediated decay, which are commonly known mechanisms for disease. The variant was absent in 250374 control chromosomes. To our knowledge, no occurrence of c.8420_8421delCT in individuals affected with Kleefstra Syndrome 2 and no experimental evidence demonstrating its impact on protein function have been reported. No submitters have cited clinical-significance assessments for this variant to ClinVar. Based on the evidence outlined above, the variant was classified as pathogenic.

NM_170606.3(KMT2C):c.8420_8421del (p.Leu2806_Ser2807insTer)

Gene: KMT2C (lysine methyltransferase 2C; minus strand). Cytogenetic location: 7q36.1.
Variant type: Microsatellite.
Coding change: c.8420_8421del on transcript NM_170606.3 (MANE Select); coding-DNA positions 8420 to 8421, 2 bases deleted (CT; older notation c.8420_8421delCT).
Protein change: p.Leu2806_Ser2807insTer.
Molecular consequence: nonsense.
Genome position (GRCh38, 1-based): chr7:152,177,032-152,177,033, AG deleted on the plus strand (CT on the coding strand, the reverse complement: KMT2C is on the minus strand); deleting any 2 consecutive bases within chr7:152,177,032-152,177,038 gives the same sequence; the c. name uses the placement nearest the transcript's 3' end. VCF-style (leftmost placement, unchanged base first): chr7-152177031-CAG-C. GRCh37 (hg19) VCF-style: chr7-151874116-CAG-C.
Other names: c.8420_8421delCT (NM_170606.3).
Identifiers: ClinVar variation 3896497 (VCV003896497.2).
Genomic context (GRCh38, chr7:152,177,031, plus strand): 5'-ACAGTACTTCCGTTTTTACCTCATTGGTAACAGTGGATTTTTTCTGTGGTGAATGTTTAT[CAG>C]AGAGAACCAGAGTTTTGTTTTCTTGTTCCTTTTTTTTTGGTTCAACAGATACACACTGAT-3'